The following is an entry in ClinVar:

NM_001171613.2(PREPL):c.75del (p.Val26fs)

Gene: PREPL (prolyl endopeptidase like; minus strand). Cytogenetic location: 2p21.
Variant type: Deletion.
Coding change: c.75del on transcript NM_001171613.2 (MANE Select); coding-DNA position 75, one base deleted (A; older notation c.75delA).
Protein change: p.Val26fs; shifts the reading frame from valine 26.
Molecular consequence: frameshift variant.
Genome position (GRCh38, 1-based): chr2:44,346,268, T deleted on the plus strand (A on the coding strand, the reverse complement: PREPL is on the minus strand); the first of 2 consecutive T bases (chr2:44,346,268-44,346,269); deleting either gives the same sequence. VCF-style (leftmost placement, unchanged base first): chr2-44346267-CT-C. GRCh37 (hg19) VCF-style: chr2-44573406-CT-C.
Other names: c.342del, p.Val115fs (NM_001042385.2, NM_001042386.2, NM_001171603.1 and 4 more transcripts); c.75del, p.Val26fs (NM_001171617.1, NM_001374277.1); short protein forms V115fs, V26fs.
Identifiers: ClinVar variation 850079 (VCV000850079.7), dbSNP rs1675812434, ClinGen allele CA916082527.

ClinVar aggregate classification (germline): Pathogenic (1 of 4 stars; one submission).

Conditions:
Myasthenic syndrome, congenital, 22 (CMS22). Also called: PREPL DEFICIENCY. Identifiers: MedGen C4479088, MONDO:0044299, OMIM 616224.

Submission:

Labcorp Genetics (formerly Invitae), Labcorp
Classification: Pathogenic for Myasthenic syndrome, congenital, 22. Last evaluated: 2026-01-02. Review status: criteria provided, single submitter. Criteria: Invitae Variant Classification Sherloc (09022015). Collection method: clinical testing. Allele origin: germline.
Comment: This sequence change creates a premature translational stop signal (p.Val115Leufs*39) in the PREPL gene. It is expected to result in an absent or disrupted protein product. Loss-of-function variants in PREPL are known to be pathogenic (PMID: 24610330, 28726805, 29913539). This variant is not present in population databases (gnomAD no frequency). This premature translational stop signal has been observed in individual(s) with PREPL deficiency (PMID: 29483676). ClinVar contains an entry for this variant (Variation ID: 850079). Algorithms developed to predict the effect of sequence changes on RNA splicing suggest that this variant may disrupt the consensus splice site. For these reasons, this variant has been classified as Pathogenic.

Literature cited by the submitters: PubMed 24610330; PubMed 28726805; PubMed 29913539; PubMed 29483676.